The following is an entry in ClinVar:

ClinVar aggregate classification (germline): Likely benign (0 of 4 stars; one submission).

Conditions:
PLXNA4-related disorder. Also called: PLXNA4-related condition.

gnomAD v4.1: 8 of 1,613,754 alleles (0.0005%); highest among the groups gnomAD compares: African/African-American, 0.0093%; no homozygotes.

Submission:

PreventionGenetics, part of Exact Sciences
Classification: Likely benign for PLXNA4-related condition. Last evaluated: 2024-08-07. Review status: no assertion criteria provided. Collection method: clinical testing. Allele origin: germline.
Comment: This variant is classified as likely benign based on ACMG/AMP sequence variant interpretation guidelines (Richards et al. 2015 PMID: 25741868, with internal and published modifications).

NM_020911.2(PLXNA4):c.1371+4484C>T

Gene: PLXNA4 (plexin A4; minus strand). Cytogenetic location: 7q32.3.
Variant type: single nucleotide variant.
Coding change: c.1371+4484C>T on transcript NM_020911.2 (MANE Select); 4484 bases into the intron after coding-DNA position 1371, C replaced by T.
Molecular consequence: intron variant. On other transcripts: 3 prime UTR variant (1).
Genome position (GRCh38, 1-based): chr7:132,484,808, G>A on the plus strand (C>T on the coding strand, the complement: PLXNA4 is on the minus strand). VCF-style: chr7-132484808-G-A. GRCh37 (hg19) VCF-style: chr7-132169567-G-A.
Other names: c.*8C>T (NM_181775.4); c.1371+4484C>T (NM_001393897.1, NM_001105543.2).
Identifiers: ClinVar variation 3350998 (VCV003350998.1).